The following is an entry in ClinVar:

NM_020717.5(SHROOM4):c.3168T>C (p.Arg1056=)

Gene: SHROOM4 (shroom family member 4; minus strand). Cytogenetic location: Xp11.22.
Variant type: single nucleotide variant.
Coding change: c.3168T>C on transcript NM_020717.5 (MANE Select); coding-DNA position 3168, T replaced by C.
Protein change: p.Arg1056=; no amino-acid change (arginine 1056 retained).
Molecular consequence: synonymous variant. On other transcripts: non-coding transcript variant (4).
Genome position (GRCh38, 1-based): chrX:50,607,974, A>G on the plus strand (T>C on the coding strand, the complement: SHROOM4 is on the minus strand). VCF-style: chrX-50607974-A-G. GRCh37 (hg19) VCF-style: chrX-50350974-A-G.
Identifiers: ClinVar variation 95969 (VCV000095969.15), dbSNP rs61753881, ClinGen allele CA149084.
Genomic context (GRCh38, chrX:50,607,974, plus strand): 5'-ATGCTGCCCCCAGGCCCGGGTGCTTTGGGGCGCCAAGCTGATGTGACTCTCTGAGAAGGC[A>G]CGGCTGCGCAGTGGGTGGGGCATGGAGGCAAGGGAGCTCCCCTCCTCATAAACTGAAGTT-3'
Protein context (NP_065768.2, residues 1046-1066): LASMPHPLRS[Arg1056=]AFSESHISLA

ClinVar aggregate classification (germline): Benign. Review status: criteria provided, multiple submitters, no conflicts (2 of 4 stars). 5 submissions from 5 submitters: Benign (3). 2 of the submissions do not count toward it. Last evaluated 2016-01-25.

Conditions:
SHROOM4-related disorder. Also called: SHROOM4-related condition.

Allele frequency attached by ClinVar (database versions not stated): gnomAD exomes 0.00420 and 0.01240; ExAC 0.01548; gnomAD 0.04246 and 0.04533; TOPMed 0.04687; 1000 Genomes Project 0.05060; ESP Exome Variant Server 0.05188; 1000 Genomes Project 30x 0.05245.
gnomAD v4.1: 9,602 of 1,210,132 alleles (0.79%); highest among the groups gnomAD compares: African/African-American, 15%; 423 homozygotes.

Submissions (5):

Ambry Genetics
Classification: Benign. Last evaluated: 2016-01-25. Review status: criteria provided, single submitter. Criteria: Ambry Variant Classification Scheme 2023. Collection method: clinical testing. Allele origin: germline.

Eurofins Ntd Llc (ga)
Classification: Benign. Last evaluated: 2013-04-04. Review status: criteria provided, single submitter. Criteria: EGL Classification Definitions 2015. Collection method: clinical testing. Allele origin: germline. Observed: 2 variant alleles, 2 hemizygotes.

Breakthrough Genomics
Classification: Benign. Review status: criteria provided, single submitter. Criteria: ACMG Guidelines, 2015. Collection method: not provided. Allele origin: germline. Inheritance: Unknown mechanism. Affected: yes.

PreventionGenetics, part of Exact Sciences
Classification: Benign for SHROOM4-related condition. Last evaluated: 2019-11-26. Review status: no assertion criteria provided. Collection method: clinical testing. Allele origin: germline. Not counted in ClinVar's aggregate classification.
Comment: This variant is classified as benign based on ACMG/AMP sequence variant interpretation guidelines (Richards et al. 2015 PMID: 25741868, with internal and published modifications).

Genetic Services Laboratory, University of Chicago
Classification: Likely benign for AllHighlyPenetrant. Review status: no assertion criteria provided. Collection method: clinical testing. Allele origin: germline. Inheritance: X-linked inheritance. Not counted in ClinVar's aggregate classification.
Comment: Likely benign based on allele frequency in 1000 Genomes Project or ESP global frequency and its presence in a patient with a rare or unrelated disease phenotype. NOT Sanger confirmed.